The following is an entry in ClinVar:

NM_001378778.1(MPDZ):c.1978G>C (p.Asp660His)

Gene: MPDZ (multiple PDZ domain crumbs cell polarity complex component; minus strand). Cytogenetic location: 9p23.
Variant type: single nucleotide variant.
Coding change: c.1978G>C on transcript NM_001378778.1 (MANE Select); coding-DNA position 1978, G replaced by C.
Protein change: p.Asp660His; replaces aspartic acid 660 with histidine.
Molecular consequence: missense variant.
Genome position (GRCh38, 1-based): chr9:13,190,290, C>G on the plus strand (G>C on the coding strand, the complement: MPDZ is on the minus strand). VCF-style: chr9-13190290-C-G. GRCh37 (hg19) VCF-style: chr9-13190289-C-G.
Other names: c.1978G>C, p.Asp660His (NM_001261406.2, NM_001261407.2, NM_001330637.2 and 14 more transcripts); short protein forms D660H.
Identifiers: ClinVar variation 1365243 (VCV001365243.4), dbSNP rs765163621, ClinGen allele CA4987598.
Genomic context (GRCh38, chr9:13,190,290, plus strand): 5'-CATCAGTCATCGCCAGCACTGGATCCTCTGTCTCTGATGACCCGATGAACTCACCTAGAT[C>G]TACGTGAGGCTGGATAATATCAGACAGCTCTTATTTCAGAGGCATTGCATTAGCTGACAC-3'
Protein context (NP_001365707.1, residues 650-670): DIELTEKPHV[Asp660His]LGEFIGSSET

ClinVar aggregate classification (germline): Uncertain significance (1 of 4 stars; one submission).

Allele frequency attached by ClinVar (database versions not stated): ExAC 0.00001; gnomAD 0.00001.
gnomAD v4.1: 3 of 1,575,204 alleles (0.00019%); highest among the groups gnomAD compares: Admixed American, 0.0035%; no homozygotes.

Submission:

Labcorp Genetics (formerly Invitae), Labcorp
Classification: Uncertain significance. Last evaluated: 2025-03-17. Review status: criteria provided, single submitter. Criteria: Invitae Variant Classification Sherloc (09022015). Collection method: clinical testing. Allele origin: germline.
Comment: This sequence change replaces aspartic acid, which is acidic and polar, with histidine, which is basic and polar, at codon 660 of the MPDZ protein (p.Asp660His). This variant is present in population databases (rs765163621, gnomAD 0.001%). This variant has not been reported in the literature in individuals affected with MPDZ-related conditions. ClinVar contains an entry for this variant (Variation ID: 1365243). An algorithm developed to predict the effect of missense changes on protein structure and function (PolyPhen-2) suggests that this variant is likely to be disruptive. Algorithms developed to predict the effect of sequence changes on RNA splicing suggest that this variant may create or strengthen a splice site. In summary, the available evidence is currently insufficient to determine the role of this variant in disease. Therefore, it has been classified as a Variant of Uncertain Significance.